The following is an entry in ClinVar:

NM_001035.3(RYR2):c.6202C>A (p.Arg2068=)

Gene: RYR2 (ryanodine receptor 2; plus strand). Cytogenetic location: 1q43.
Variant type: single nucleotide variant.
Coding change: c.6202C>A on transcript NM_001035.3 (MANE Select); coding-DNA position 6202, C replaced by A.
Protein change: p.Arg2068=; no amino-acid change (arginine 2068 retained).
Molecular consequence: synonymous variant.
Genome position (GRCh38, 1-based): chr1:237,627,842, C>A. VCF-style: chr1-237627842-C-A. GRCh37 (hg19) VCF-style: chr1-237791142-C-A.
Identifiers: ClinVar variation 3385758 (VCV003385758.2).

ClinVar aggregate classification (germline): Likely benign. Review status: criteria provided, multiple submitters, no conflicts (2 of 4 stars). 2 submissions from 2 submitters: Likely benign (2). Last evaluated 2025-08-26.

Conditions:
Catecholaminergic polymorphic ventricular tachycardia (CVPT). Also called: Catecholamine-induced polymorphic ventricular tachycardia. Identifiers: Orphanet 3286, MedGen C5574922, MONDO:0017990.
Catecholaminergic polymorphic ventricular tachycardia 1. Also called: VENTRICULAR TACHYCARDIA, CATECHOLAMINERGIC POLYMORPHIC, 1, WITH OR WITHOUT ATRIAL DYSFUNCTION AND/OR DILATED CARDIOMYOPATHY; VENTRICULAR TACHYCARDIA, STRESS-INDUCED POLYMORPHIC 1; RYR2-Related Catecholaminergic Polymorphic Ventricular Tachycardia. Identifiers: Orphanet 3286, MedGen C1631597, MONDO:0011484, OMIM 604772.

gnomAD v4.1: 1 of 1,610,904 alleles (0.000062%); highest among the groups gnomAD compares: Non-Finnish European, 0.000085%; no homozygotes.

Submissions (2):

Labcorp Genetics (formerly Invitae), Labcorp
Classification: Likely benign for Catecholaminergic polymorphic ventricular tachycardia 1. Last evaluated: 2025-08-26. Review status: criteria provided, single submitter. Criteria: Invitae Variant Classification Sherloc (09022015). Collection method: clinical testing. Allele origin: germline.

All of Us Research Program, National Institutes of Health
Classification: Likely benign for Catecholaminergic polymorphic ventricular tachycardia. Last evaluated: 2024-04-16. Review status: criteria provided, single submitter. Criteria: ACMG Guidelines, 2015. Collection method: clinical testing. Allele origin: germline. Inheritance: Autosomal dominant inheritance. Observed: 1 variant allele, 1 heterozygote.
Comment: This study involves interpretation of variants in research participants for the purpose of population health screening. Participant phenotype was not available at the time of variant classification. Additional details can be found in publication PMID: 35346344, PMCID: PMC8962531